The following is an entry in ClinVar:

NM_021072.4(HCN1):c.1552G>C (p.Gly518Arg)

Gene: HCN1 (hyperpolarization activated cyclic nucleotide gated potassium channel 1; minus strand). Cytogenetic location: 5p12.
Variant type: single nucleotide variant.
Coding change: c.1552G>C on transcript NM_021072.4 (MANE Select); coding-DNA position 1552, G replaced by C.
Protein change: p.Gly518Arg; replaces glycine 518 with arginine.
Molecular consequence: missense variant.
Genome position (GRCh38, 1-based): chr5:45,303,665, C>G on the plus strand (G>C on the coding strand, the complement: HCN1 is on the minus strand). VCF-style: chr5-45303665-C-G. GRCh37 (hg19) VCF-style: chr5-45303767-C-G.
Other names: short protein forms G518R.
Identifiers: ClinVar variation 1698099 (VCV001698099.2), dbSNP rs2111904880, ClinGen allele CA359702463.

ClinVar aggregate classification (germline): Uncertain significance (1 of 4 stars; one submission).

Submission:

GeneDx
Classification: Uncertain significance. Last evaluated: 2022-01-10. Review status: criteria provided, single submitter. Criteria: GeneDx Variant Classification Process June 2021. Collection method: clinical testing. Allele origin: germline. Affected: yes.
Comment: Not observed at significant frequency in large population cohorts (gnomAD); In silico analysis supports that this missense variant has a deleterious effect on protein structure/function; Has not been previously published as pathogenic or benign to our knowledge